The following is an entry in ClinVar:

NM_025179.4(PLXNA2):c.693C>T (p.Asp231=)

Gene: PLXNA2 (plexin A2; minus strand). Cytogenetic location: 1q32.2.
Variant type: single nucleotide variant.
Coding change: c.693C>T on transcript NM_025179.4 (MANE Select); coding-DNA position 693, C replaced by T.
Protein change: p.Asp231=; no amino-acid change (aspartic acid 231 retained).
Molecular consequence: synonymous variant.
Genome position (GRCh38, 1-based): chr1:208,217,230, G>A on the plus strand (C>T on the coding strand, the complement: PLXNA2 is on the minus strand). VCF-style: chr1-208217230-G-A. GRCh37 (hg19) VCF-style: chr1-208390575-G-A.
Identifiers: ClinVar variation 3350879 (VCV003350879.1).

ClinVar aggregate classification (germline): Likely benign (0 of 4 stars; one submission).

Conditions:
PLXNA2-related disorder. Also called: PLXNA2-related condition.

gnomAD v4.1: 5 of 1,614,174 alleles (0.00031%); highest among the groups gnomAD compares: Admixed American, 0.0083%; no homozygotes.

Submission:

PreventionGenetics, part of Exact Sciences
Classification: Likely benign for PLXNA2-related condition. Last evaluated: 2023-03-15. Review status: no assertion criteria provided. Collection method: clinical testing. Allele origin: germline.
Comment: This variant is classified as likely benign based on ACMG/AMP sequence variant interpretation guidelines (Richards et al. 2015 PMID: 25741868, with internal and published modifications).